The following is an entry in ClinVar:

NM_152564.5(VPS13B):c.4356A>T (p.Leu1452Phe)

Gene: VPS13B (vacuolar protein sorting 13 homolog B; plus strand). Cytogenetic location: 8q22.2.
Variant type: single nucleotide variant.
Coding change: c.4356A>T on transcript NM_152564.5 (MANE Select); coding-DNA position 4356, A replaced by T.
Protein change: p.Leu1452Phe; replaces leucine 1452 with phenylalanine.
Molecular consequence: missense variant.
Genome position (GRCh38, 1-based): chr8:99,511,235, A>T. VCF-style: chr8-99511235-A-T. GRCh37 (hg19) VCF-style: chr8-100523463-A-T.
Other names: c.4431A>T, p.Leu1477Phe (NM_017890.5); c.4356A>T (NM_152564.4); short protein forms L1452F, L1477F.
Identifiers: ClinVar variation 589484 (VCV000589484.17), dbSNP rs61754112, ClinGen allele CA4823526.

ClinVar aggregate classification (germline): Uncertain significance. Review status: criteria provided, multiple submitters, no conflicts (2 of 4 stars). 4 submissions from 4 submitters: Uncertain significance (3). 1 of the submissions does not count toward it. Last evaluated 2024-11-14.

Conditions:
Cohen syndrome (COH1). Also called: PEPPER SYNDROME; Cutis verticis gyrata, retinitis pigmentosa, and sensorineural deafness. Identifiers: Orphanet 193, MedGen C0265223, MONDO:0008999, OMIM 216550.
Inborn genetic diseases. Identifiers: MedGen C0950123, MeSH D030342.
VPS13B-related disorder. Also called: VPS13B-related condition.

Allele frequency attached by ClinVar (database versions not stated): gnomAD 0.00003 and 0.00004; gnomAD exomes 0.00003; TOPMed 0.00003; ExAC 0.00004.
gnomAD v4.1: 53 of 1,614,016 alleles (0.0033%); highest among the groups gnomAD compares: Non-Finnish European, 0.0031%; no homozygotes.

Submissions (4):

PreventionGenetics, part of Exact Sciences
Classification: Uncertain significance for VPS13B-related condition. Last evaluated: 2024-11-14. Review status: criteria provided, single submitter. Criteria: ACMG Guidelines, 2015. Collection method: clinical testing. Allele origin: germline.
Comment: The VPS13B c.4356A>T variant is predicted to result in the amino acid substitution p.Leu1452Phe. To our knowledge, this variant has not been reported in the literature. This variant is reported in 0.0053% of alleles in individuals of European (Non-Finnish) descent in gnomAD. At this time, the clinical significance of this variant is uncertain due to the absence of conclusive functional and genetic evidence.

Labcorp Genetics (formerly Invitae), Labcorp
Classification: Uncertain significance for Cohen syndrome. Last evaluated: 2022-03-14. Review status: criteria provided, single submitter. Criteria: Invitae Variant Classification Sherloc (09022015). Collection method: clinical testing. Allele origin: germline.
Comment: This sequence change replaces leucine, which is neutral and non-polar, with phenylalanine, which is neutral and non-polar, at codon 1477 of the VPS13B protein (p.Leu1477Phe). This variant is present in population databases (rs61754112, gnomAD 0.01%). This variant has not been reported in the literature in individuals affected with VPS13B-related conditions. ClinVar contains an entry for this variant (Variation ID: 589484). Algorithms developed to predict the effect of missense changes on protein structure and function are either unavailable or do not agree on the potential impact of this missense change (SIFT: "Not Available"; PolyPhen-2: "Benign"; Align-GVGD: "Not Available"). In summary, the available evidence is currently insufficient to determine the role of this variant in disease. Therefore, it has been classified as a Variant of Uncertain Significance.

Ambry Genetics
Classification: Uncertain significance for Inborn genetic diseases. Last evaluated: 2021-09-30. Review status: criteria provided, single submitter. Criteria: Ambry Variant Classification Scheme 2023. Collection method: clinical testing. Allele origin: germline.

Natera, Inc.
Classification: Uncertain significance for Cohen syndrome. Last evaluated: 2019-11-11. Review status: no assertion criteria provided. Collection method: clinical testing. Allele origin: germline. Not counted in ClinVar's aggregate classification.